The following is an entry in ClinVar:

ClinVar aggregate classification (germline): Uncertain significance (1 of 4 stars; one submission).

Allele frequency attached by ClinVar (database versions not stated): gnomAD exomes below 0.00001 and 0.00002; TOPMed below 0.00001; gnomAD 0.00001; ExAC 0.00002; 1000 Genomes Project 30x 0.00016; 1000 Genomes Project 0.00020.
gnomAD v4.1: 3 of 1,367,230 alleles (0.00022%); highest among the groups gnomAD compares: East Asian, 0.0091%; no homozygotes.

Submission:

Labcorp Genetics (formerly Invitae), Labcorp
Classification: Uncertain significance. Last evaluated: 2020-11-18. Review status: criteria provided, single submitter. Criteria: Invitae Variant Classification Sherloc (09022015). Collection method: clinical testing. Allele origin: germline.
Comment: This sequence change replaces glycine with glutamic acid at codon 1477 of the ERCC6L2 protein (p.Gly1477Glu). The glycine residue is weakly conserved and there is a moderate physicochemical difference between glycine and glutamic acid. This variant is present in population databases (rs549812698, ExAC 0.02%). This variant has not been reported in the literature in individuals with ERCC6L2-related conditions. Algorithms developed to predict the effect of missense changes on protein structure and function are either unavailable or do not agree on the potential impact of this missense change (SIFT: "Deleterious"; PolyPhen-2: "Not Available"; Align-GVGD: "Class C0"). In summary, the available evidence is currently insufficient to determine the role of this variant in disease. Therefore, it has been classified as a Variant of Uncertain Significance.

NM_020207.7(ERCC6L2):c.4397G>A (p.Gly1466Glu)

Gene: ERCC6L2 (ERCC excision repair 6 like 2; plus strand). Cytogenetic location: 9q22.32.
Variant type: single nucleotide variant.
Coding change: c.4397G>A on transcript NM_020207.7 (MANE Select); coding-DNA position 4397, G replaced by A.
Protein change: p.Gly1466Glu; replaces glycine 1466 with glutamic acid.
Molecular consequence: missense variant. On other transcripts: non-coding transcript variant (1), intron variant (2).
Genome position (GRCh38, 1-based): chr9:96,012,947, G>A. VCF-style: chr9-96012947-G-A. GRCh37 (hg19) VCF-style: chr9-98775229-G-A.
Other names: c.3674+8246G>A (NM_001375291.1, NM_001375292.1); short protein forms G1466E.
Identifiers: ClinVar variation 1413533 (VCV001413533.8), dbSNP rs549812698, ClinGen allele CA5140103.